The following is an entry in ClinVar:

NM_001458.5(FLNC):c.6689G>A (p.Arg2230His)

Genes: FLNC-AS1 (FLNC antisense RNA 1; minus strand), FLNC (filamin C; plus strand). Cytogenetic location: 7q32.1.
Variant type: single nucleotide variant.
Coding change: c.6689G>A on transcript NM_001458.5 (MANE Select); coding-DNA position 6689, G replaced by A.
Protein change: p.Arg2230His; replaces arginine 2230 with histidine.
Molecular consequence: missense variant.
Genome position (GRCh38, 1-based): chr7:128,854,178, G>A. VCF-style: chr7-128854178-G-A. GRCh37 (hg19) VCF-style: chr7-128494232-G-A.
Other names: c.6590G>A, p.Arg2197His (NM_001127487.2); short protein forms R2230H, R2197H.
Identifiers: ClinVar variation 567146 (VCV000567146.27), dbSNP rs376035195, ClinGen allele CA4476047.

ClinVar aggregate classification (germline): Conflicting classifications of pathogenicity. Review status: criteria provided, conflicting classifications (1 of 4 stars). 4 submissions from 4 submitters: Uncertain significance (2); Likely benign (2). Last evaluated 2025-12-21.

Conditions:
Cardiovascular phenotype. Identifiers: MedGen CN230736.
Distal myopathy with posterior leg and anterior hand involvement. Also called: WILLIAMS DISTAL MYOPATHY. Identifiers: Orphanet 63273, MedGen C3279722, MONDO:0013550, OMIM 614065.
Myofibrillar myopathy 5. Also called: Filaminopathy (type); FILAMINOPATHY, AUTOSOMAL DOMINANT. Identifiers: Orphanet 171445, MedGen C1836050, MONDO:0012289, OMIM 609524.
Hypertrophic cardiomyopathy 26. Also called: Cardiomyopathy, familial hypertrophic, 26. Identifiers: Orphanet 75249, MedGen C4310749, MONDO:0014883, OMIM 617047.

Allele frequency attached by ClinVar (database versions not stated): ESP Exome Variant Server 0.00008; TOPMed 0.00009; ExAC 0.00010; gnomAD 0.00010 and 0.00012.
gnomAD v4.1: 80 of 1,609,216 alleles (0.005%); highest among the groups gnomAD compares: African/African-American, 0.02%; no homozygotes.

Submissions (4):

Labcorp Genetics (formerly Invitae), Labcorp
Classification: Likely benign for Distal myopathy with posterior leg and anterior hand involvement; Myofibrillar myopathy 5; Hypertrophic cardiomyopathy 26. Last evaluated: 2025-12-21. Review status: criteria provided, single submitter. Criteria: Invitae Variant Classification Sherloc (09022015). Collection method: clinical testing. Allele origin: germline.

Ambry Genetics
Classification: Uncertain significance for Cardiovascular phenotype. Last evaluated: 2025-04-15. Review status: criteria provided, single submitter. Criteria: Ambry Variant Classification Scheme 2023. Collection method: clinical testing. Allele origin: germline.
Comment: The p.R2230H variant (also known as c.6689G>A), located in coding exon 40 of the FLNC gene, results from a G to A substitution at nucleotide position 6689. The arginine at codon 2230 is replaced by histidine, an amino acid with highly similar properties. This variant was reported in individual(s) with features consistent with hypertrophic or dilated cardiomyopathy (Kojic A et al. Stem Cell Res. 2022 Oct;64:102928; Ambry internal data). This amino acid position is not well conserved in available vertebrate species. In addition, the in silico prediction for this alteration is inconclusive. Based on the available evidence, the clinical significance of this variant remains unclear.

CeGaT Center for Human Genetics Tuebingen
Classification: Uncertain significance. Last evaluated: 2024-12-01. Review status: criteria provided, single submitter. Criteria: CeGaT Center For Human Genetics Tuebingen Variant Classification Criteria Version 2. Collection method: clinical testing. Allele origin: germline. Affected: yes. Observed: 1 variant allele.
Comment: FLNC: PS4:Supporting

GeneDx
Classification: Likely benign. Last evaluated: 2021-01-11. Review status: criteria provided, single submitter. Criteria: GeneDx Variant Classification Process June 2021. Collection method: clinical testing. Allele origin: germline. Affected: yes.
Comment: Has not been previously published as pathogenic or benign to our knowledge; Reported in ClinVar but additional evidence is not available (ClinVar Variant ID# 567146; Landrum et al., 2016); In silico analysis, which includes protein predictors and evolutionary conservation, supports that this variant does not alter protein structure/function

Literature cited by the submitters: PubMed 36194907 (cited by Ambry Genetics).